The following is an entry in ClinVar:

ClinVar aggregate classification (germline): Uncertain significance (1 of 4 stars; one submission).

Allele frequency attached by ClinVar (database versions not stated): gnomAD below 0.00001 and 0.00001; TOPMed 0.00001; ExAC 0.00002; gnomAD exomes 0.00004.
gnomAD v4.1: 30 of 1,611,416 alleles (0.0019%); highest among the groups gnomAD compares: Middle Eastern, 0.066%; no homozygotes.

Submission:

Labcorp Genetics (formerly Invitae), Labcorp
Classification: Uncertain significance. Last evaluated: 2020-09-18. Review status: criteria provided, single submitter. Criteria: Invitae Variant Classification Sherloc (09022015). Collection method: clinical testing. Allele origin: germline.
Comment: This sequence change replaces valine with methionine at codon 525 of the CRB2 protein (p.Val525Met). The valine residue is weakly conserved and there is a small physicochemical difference between valine and methionine. This variant is present in population databases (rs769681092, ExAC 0.01%). This variant has not been reported in the literature in individuals with CRB2-related conditions. Advanced modeling of protein sequence and biophysical properties (such as structural, functional, and spatial information, amino acid conservation, physicochemical variation, residue mobility, and thermodynamic stability) performed at Invitae indicates that this missense variant is not expected to disrupt CRB2 protein function. In summary, the available evidence is currently insufficient to determine the role of this variant in disease. Therefore, it has been classified as a Variant of Uncertain Significance.

NM_173689.7(CRB2):c.1573G>A (p.Val525Met)

Gene: CRB2 (crumbs cell polarity complex component 2; plus strand). Cytogenetic location: 9q33.3.
Variant type: single nucleotide variant.
Coding change: c.1573G>A on transcript NM_173689.7 (MANE Select); coding-DNA position 1573, G replaced by A.
Protein change: p.Val525Met; replaces valine 525 with methionine.
Molecular consequence: missense variant. On other transcripts: non-coding transcript variant (1).
Genome position (GRCh38, 1-based): chr9:123,370,626, G>A. VCF-style: chr9-123370626-G-A. GRCh37 (hg19) VCF-style: chr9-126132905-G-A.
Other names: short protein forms V525M.
Identifiers: ClinVar variation 1007733 (VCV001007733.8), dbSNP rs769681092, ClinGen allele CA5231995.